The following is an entry in ClinVar:

NM_013432.5(TONSL):c.2199C>G (p.Ser733Arg)

Genes: TONSL (tonsoku like, DNA repair protein; minus strand), TONSL-AS1 (TONSL antisense RNA 1; plus strand). Cytogenetic location: 8q24.3.
Variant type: single nucleotide variant.
Coding change: c.2199C>G on transcript NM_013432.5 (MANE Select); coding-DNA position 2199, C replaced by G.
Protein change: p.Ser733Arg; replaces serine 733 with arginine.
Molecular consequence: missense variant.
Genome position (GRCh38, 1-based): chr8:144,436,234, G>C on the plus strand (C>G on the coding strand, the complement: TONSL is on the minus strand). VCF-style: chr8-144436234-G-C. GRCh37 (hg19) VCF-style: chr8-145661617-G-C.
Other names: short protein forms S733R.
Identifiers: ClinVar variation 1368561 (VCV001368561.8), dbSNP rs2129643219, ClinGen allele CA372657015.

ClinVar aggregate classification (germline): Uncertain significance (1 of 4 stars; one submission).

Submission:

Labcorp Genetics (formerly Invitae), Labcorp
Classification: Uncertain significance. Last evaluated: 2024-01-02. Review status: criteria provided, single submitter. Criteria: Invitae Variant Classification Sherloc (09022015). Collection method: clinical testing. Allele origin: germline.
Comment: This sequence change replaces serine, which is neutral and polar, with arginine, which is basic and polar, at codon 733 of the TONSL protein (p.Ser733Arg). This variant is not present in population databases (gnomAD no frequency). This variant has not been reported in the literature in individuals affected with TONSL-related conditions. ClinVar contains an entry for this variant (Variation ID: 1368561). Advanced modeling of protein sequence and biophysical properties (such as structural, functional, and spatial information, amino acid conservation, physicochemical variation, residue mobility, and thermodynamic stability) performed at Invitae indicates that this missense variant is not expected to disrupt TONSL protein function with a negative predictive value of 80%. In summary, the available evidence is currently insufficient to determine the role of this variant in disease. Therefore, it has been classified as a Variant of Uncertain Significance.